The following is an entry in ClinVar:

NM_000557.5(GDF5):c.536C>T (p.Thr179Met)

Gene: GDF5 (growth differentiation factor 5; minus strand). Cytogenetic location: 20q11.22.
Variant type: single nucleotide variant.
Coding change: c.536C>T on transcript NM_000557.5 (MANE Select); coding-DNA position 536, C replaced by T.
Protein change: p.Thr179Met; replaces threonine 179 with methionine.
Molecular consequence: missense variant.
Genome position (GRCh38, 1-based): chr20:35,437,393, G>A on the plus strand (C>T on the coding strand, the complement: GDF5 is on the minus strand). VCF-style: chr20-35437393-G-A. GRCh37 (hg19) VCF-style: chr20-34025173-G-A.
Other names: c.536C>T (NM_000557.2); c.536C>T, p.Thr179Met (NM_001319138.2); short protein forms T179M.
Identifiers: ClinVar variation 1007244 (VCV001007244.7), dbSNP rs371529960, ClinGen allele CA9832323.
Genomic context (GRCh38, chr20:35,437,393, plus strand): 5'-GCCAGGCCAGCCTCCAACTTCACGCTGCTGTTGCCTCCCTTTCTGTCAGCATCGGACAGC[G>A]TCCTGTACAGCGAGAGCATGTACTCGTGGGGTGTGATGGGGGGTGGGCGAAACGGCTCCT-3'
Protein context (NP_000548.2, residues 169-189): PHEYMLSLYR[Thr179Met]LSDADRKGGN

ClinVar aggregate classification (germline): Uncertain significance. Review status: criteria provided, multiple submitters, no conflicts (2 of 4 stars). 2 submissions from 2 submitters: Uncertain significance (2). Last evaluated 2025-06-10.

Conditions:
Inborn genetic diseases. Identifiers: MedGen C0950123, MeSH D030342.

Allele frequency attached by ClinVar (database versions not stated): ExAC 0.00001; gnomAD exomes 0.00001 and 0.00004; gnomAD 0.00003 and 0.00004; ESP Exome Variant Server 0.00008; TOPMed 0.00011.
gnomAD v4.1: 19 of 1,613,400 alleles (0.0012%); highest among the groups gnomAD compares: Middle Eastern, 0.016%; no homozygotes.

Submissions (2):

Ambry Genetics
Classification: Uncertain significance for Inborn genetic diseases. Last evaluated: 2025-06-10. Review status: criteria provided, single submitter. Criteria: Ambry Variant Classification Scheme 2023. Collection method: clinical testing. Allele origin: germline.

Labcorp Genetics (formerly Invitae), Labcorp
Classification: Uncertain significance. Last evaluated: 2025-05-05. Review status: criteria provided, single submitter. Criteria: Invitae Variant Classification Sherloc (09022015). Collection method: clinical testing. Allele origin: germline.
Comment: This sequence change replaces threonine, which is neutral and polar, with methionine, which is neutral and non-polar, at codon 179 of the GDF5 protein (p.Thr179Met). This variant is present in population databases (rs371529960, gnomAD 0.009%). This variant has not been reported in the literature in individuals affected with GDF5-related conditions. ClinVar contains an entry for this variant (Variation ID: 1007244). Invitae Evidence Modeling of protein sequence and biophysical properties (such as structural, functional, and spatial information, amino acid conservation, physicochemical variation, residue mobility, and thermodynamic stability) indicates that this missense variant is not expected to disrupt GDF5 protein function with a negative predictive value of 80%. In summary, the available evidence is currently insufficient to determine the role of this variant in disease. Therefore, it has been classified as a Variant of Uncertain Significance.